The following is an entry in ClinVar:

NM_005422.4(TECTA):c.36T>G (p.Ser12=)

Genes: TBCEL-TECTA (TBCEL-TECTA readthrough; plus strand), TECTA (tectorin alpha; plus strand). Cytogenetic location: 11q23.3.
Variant type: single nucleotide variant.
Coding change: c.36T>G on transcript NM_005422.4 (MANE Select); coding-DNA position 36, T replaced by G.
Protein change: p.Ser12=; no amino-acid change (serine 12 retained).
Molecular consequence: synonymous variant.
Genome position (GRCh38, 1-based): chr11:121,102,701, T>G. VCF-style: chr11-121102701-T-G. GRCh37 (hg19) VCF-style: chr11-120973410-T-G.
Other names: c.993T>G, p.Ser331= (NM_001378761.1).
Identifiers: ClinVar variation 1702948 (VCV001702948.1), dbSNP rs2135046516, ClinGen allele CA477214898.

ClinVar aggregate classification (germline): Uncertain significance (1 of 4 stars; one submission).

Conditions:
Autosomal recessive nonsyndromic hearing loss 21. Identifiers: Orphanet 90636, MedGen C1863655, MONDO:0011351, OMIM 603629.

Submission:

Department of Human Genetics, Hannover Medical School
Classification: Uncertain significance for Autosomal recessive nonsyndromic hearing loss 21. Last evaluated: 2022-08-25. Review status: criteria provided, single submitter. Criteria: ACMG Guidelines, 2015. Collection method: clinical testing. Allele origin: germline. Affected: yes.
Comment: The variant does not change the protein sequence. An in silico analysis of the variant performed by us revealed no evidence of a change in the splicing pattern. The variant is not currently known in the ClinVar, LOVD, or Deafness Variation Database, nor in the literature. It is also not listed in the population database gnomAD.